The following is an entry in ClinVar:

ClinVar aggregate classification (germline): Uncertain significance (1 of 4 stars; one submission).

Submission:

GeneDx
Classification: Uncertain significance. Last evaluated: 2024-12-03. Review status: criteria provided, single submitter. Criteria: GeneDx Variant Classification Process June 2021. Collection method: clinical testing. Allele origin: germline. Affected: yes.
Comment: Not observed at significant frequency in large population cohorts (gnomAD); In silico analysis indicates that this missense variant does not alter protein structure/function; Has not been previously published as pathogenic or benign to our knowledge

NM_001372044.2(SHANK3):c.1827C>G (p.Asp609Glu)

Gene: SHANK3 (SH3 and multiple ankyrin repeat domains 3; plus strand). Cytogenetic location: 22q13.33.
Variant type: single nucleotide variant.
Coding change: c.1827C>G on transcript NM_001372044.2 (MANE Select); coding-DNA position 1827, C replaced by G.
Protein change: p.Asp609Glu; replaces aspartic acid 609 with glutamic acid.
Molecular consequence: missense variant.
Genome position (GRCh38, 1-based): chr22:50,698,793, C>G. VCF-style: chr22-50698793-C-G. GRCh37 (hg19) VCF-style: chr22-51137221-C-G.
Other names: c.1602C>G (NM_033517.1); short protein forms D609E.
Identifiers: ClinVar variation 3901626 (VCV003901626.1).